The following is an entry in ClinVar:

NM_017617.5(NOTCH1):c.3529G>A (p.Gly1177Arg)

Gene: NOTCH1 (notch receptor 1; minus strand). Cytogenetic location: 9q34.3.
Variant type: single nucleotide variant.
Coding change: c.3529G>A on transcript NM_017617.5 (MANE Select); coding-DNA position 3529, G replaced by A.
Protein change: p.Gly1177Arg; replaces glycine 1177 with arginine.
Molecular consequence: missense variant.
Genome position (GRCh38, 1-based): chr9:136,507,419, C>T on the plus strand (G>A on the coding strand, the complement: NOTCH1 is on the minus strand). VCF-style: chr9-136507419-C-T. GRCh37 (hg19) VCF-style: chr9-139401871-C-T.
Other names: short protein forms G1177R.
Identifiers: ClinVar variation 1329308 (VCV001329308.10), dbSNP rs754086177, ClinGen allele CA5340884.
Genomic context (GRCh38, chr9:136,507,419, plus strand): 5'-TGCCCCCGTTCTGGCAGGGGTGGGAGAGGCACTCGTCGATCTCCTCAGAGCAGTTCACCC[C>T]GTGGTAGCCGGCCACGCACTGTGCAGGCGACAGAACGAGGGGCCCTTCGGCTCAGCCGGC-3'
Protein context (NP_060087.3, residues 1167-1187): YSCKCVAGYH[Gly1177Arg]VNCSEEIDEC

ClinVar aggregate classification (germline): Uncertain significance. Review status: criteria provided, multiple submitters, no conflicts (2 of 4 stars). 4 submissions from 4 submitters: Uncertain significance (4). Last evaluated 2025-04-24.

Conditions:
Adams-Oliver syndrome 5 (AOS5). Identifiers: Orphanet 974, MedGen C4014970, MONDO:0014459, OMIM 616028.
Familial thoracic aortic aneurysm and aortic dissection (TAAD). Also called: Thoracic aortic aneurysms and dissections. Identifiers: Orphanet 91387, MedGen C4707243, MONDO:0019625.

Allele frequency attached by ClinVar (database versions not stated): gnomAD exomes below 0.00001 and 0.00001; TOPMed 0.00001; ExAC 0.00002.
gnomAD v4.1: 6 of 1,608,816 alleles (0.00037%); highest among the groups gnomAD compares: Non-Finnish European, 0.00051%; no homozygotes.

Submissions (4):

Ambry Genetics
Classification: Uncertain significance for Familial thoracic aortic aneurysm and aortic dissection. Last evaluated: 2025-04-24. Review status: criteria provided, single submitter. Criteria: Ambry Variant Classification Scheme 2023. Collection method: clinical testing. Allele origin: germline.

GeneDx
Classification: Uncertain significance. Last evaluated: 2022-05-26. Review status: criteria provided, single submitter. Criteria: GeneDx Variant Classification Process June 2021. Collection method: clinical testing. Allele origin: germline. Affected: yes.
Comment: Has not been previously published as pathogenic or benign to our knowledge; Not observed at significant frequency in large population cohorts (gnomAD); In silico analysis supports that this missense variant has a deleterious effect on protein structure/function; In silico analysis, which includes splice predictors and evolutionary conservation, suggests this variant may impact gene splicing. In the absence of RNA/functional studies, the actual effect of this sequence change is unknown.

Labcorp Genetics (formerly Invitae), Labcorp
Classification: Uncertain significance for Adams-Oliver syndrome 5. Last evaluated: 2022-05-03. Review status: criteria provided, single submitter. Criteria: Invitae Variant Classification Sherloc (09022015). Collection method: clinical testing. Allele origin: germline.
Comment: In summary, the available evidence is currently insufficient to determine the role of this variant in disease. Therefore, it has been classified as a Variant of Uncertain Significance. Algorithms developed to predict the effect of sequence changes on RNA splicing suggest that this variant may create or strengthen a splice site. Algorithms developed to predict the effect of missense changes on protein structure and function (SIFT, PolyPhen-2, Align-GVGD) all suggest that this variant is likely to be disruptive. ClinVar contains an entry for this variant (Variation ID: 1329308). This variant has not been reported in the literature in individuals affected with NOTCH1-related conditions. This variant is present in population databases (rs754086177, gnomAD 0.002%). This sequence change replaces glycine, which is neutral and non-polar, with arginine, which is basic and polar, at codon 1177 of the NOTCH1 protein (p.Gly1177Arg).

CHEO Genetics Diagnostic Laboratory, Children's Hospital of Eastern Ontario
Classification: Uncertain significance for Familial thoracic aortic aneurysm and aortic dissection. Last evaluated: 2019-11-19. Review status: criteria provided, single submitter. Criteria: ACMG Guidelines, 2015. Collection method: clinical testing. Allele origin: germline.